The following is an entry in ClinVar:

NM_004329.3(BMPR1A):c.1421T>C (p.Val474Ala)

Gene: BMPR1A (bone morphogenetic protein receptor type 1A; plus strand). Cytogenetic location: 10q23.2.
Variant type: single nucleotide variant.
Coding change: c.1421T>C on transcript NM_004329.3 (MANE Select); coding-DNA position 1421, T replaced by C.
Protein change: p.Val474Ala; replaces valine 474 with alanine.
Molecular consequence: missense variant. On other transcripts: non-coding transcript variant (3).
Genome position (GRCh38, 1-based): chr10:86,923,454, T>C. VCF-style: chr10-86923454-T-C. GRCh37 (hg19) VCF-style: chr10-88683211-T-C.
Other names: c.1421T>C, p.Val474Ala (NM_001406574.1, NM_001406575.1, NM_001406576.1 and 19 more transcripts); c.1415T>C, p.Val472Ala (NM_001406583.1); c.1496T>C, p.Val499Ala (NM_001406559.1); c.1469T>C, p.Val490Ala (NM_001406560.1); c.1337T>C, p.Val446Ala (NM_001406584.1, NM_001406585.1, NM_001406586.1 and 2 more transcripts); c.1079T>C, p.Val360Ala (NM_001406589.1); short protein forms V499A, V446A, V360A, V472A, V474A, V490A.
Identifiers: ClinVar variation 2749120 (VCV002749120.3), dbSNP rs2539649185, ClinGen allele CA377463029.

ClinVar aggregate classification (germline): Uncertain significance (1 of 4 stars; one submission).

Conditions:
Juvenile polyposis syndrome (JPS). Identifiers: Orphanet 2929, MedGen C0345893, MONDO:0017380, OMIM 174900.

Submission:

Labcorp Genetics (formerly Invitae), Labcorp
Classification: Uncertain significance for Juvenile polyposis syndrome. Last evaluated: 2023-05-30. Review status: criteria provided, single submitter. Criteria: Invitae Variant Classification Sherloc (09022015). Collection method: clinical testing. Allele origin: germline.
Comment: In summary, the available evidence is currently insufficient to determine the role of this variant in disease. Therefore, it has been classified as a Variant of Uncertain Significance. Advanced modeling of protein sequence and biophysical properties (such as structural, functional, and spatial information, amino acid conservation, physicochemical variation, residue mobility, and thermodynamic stability) has been performed at Invitae for this missense variant, however the output from this modeling did not meet the statistical confidence thresholds required to predict the impact of this variant on BMPR1A protein function. This variant has not been reported in the literature in individuals affected with BMPR1A-related conditions. This variant is not present in population databases (gnomAD no frequency). This sequence change replaces valine, which is neutral and non-polar, with alanine, which is neutral and non-polar, at codon 474 of the BMPR1A protein (p.Val474Ala).